The following is an entry in ClinVar:

ClinVar aggregate classification (germline): Pathogenic (1 of 4 stars; one submission).

Conditions:
Cohen syndrome (COH1). Also called: Cutis verticis gyrata, retinitis pigmentosa, and sensorineural deafness; PEPPER SYNDROME. Identifiers: Orphanet 193, MedGen C0265223, MONDO:0008999, OMIM 216550.

Submission:

Labcorp Genetics (formerly Invitae), Labcorp
Classification: Pathogenic for Cohen syndrome. Last evaluated: 2022-11-09. Review status: criteria provided, single submitter. Criteria: Invitae Variant Classification Sherloc (09022015). Collection method: clinical testing. Allele origin: germline.
Comment: This sequence change creates a premature translational stop signal (p.Phe480Leufs*5) in the VPS13B gene. It is expected to result in an absent or disrupted protein product. Loss-of-function variants in VPS13B are known to be pathogenic (PMID: 15141358, 16648375, 20461111). This variant is not present in population databases (gnomAD no frequency). This variant has not been reported in the literature in individuals affected with VPS13B-related conditions. For these reasons, this variant has been classified as Pathogenic.

Literature cited by the submitters: PubMed 15141358; PubMed 16648375; PubMed 20461111.

NM_152564.5(VPS13B):c.1436dup (p.Phe480fs)

Gene: VPS13B (vacuolar protein sorting 13 homolog B; plus strand). Cytogenetic location: 8q22.2.
Variant type: Duplication.
Coding change: c.1436dup on transcript NM_152564.5 (MANE Select); coding-DNA position 1436, one base duplicated (T; older notation c.1436dupT).
Protein change: p.Phe480fs; shifts the reading frame from phenylalanine 480.
Molecular consequence: frameshift variant.
Genome position (GRCh38, 1-based): chr8:99,135,606, T duplicated; the last of 3 consecutive T bases (chr8:99,135,604-99,135,606); duplicating any one gives the same sequence. VCF-style (leftmost placement, unchanged base first): chr8-99135603-G-GT. GRCh37 (hg19) VCF-style: chr8-100147831-G-GT.
Other names: c.1436dup, p.Phe480fs (NM_015243.3, NM_017890.5); short protein forms F480fs.
Identifiers: ClinVar variation 2813071 (VCV002813071.3), dbSNP rs2488762498, ClinGen allele CA2688061274.